The following is an entry in ClinVar:

NM_015346.4(ZFYVE26):c.440del (p.Pro147fs)

Gene: ZFYVE26 (zinc finger FYVE-type containing 26; minus strand). Cytogenetic location: 14q24.1.
Variant type: Deletion.
Coding change: c.440del on transcript NM_015346.4 (MANE Select); coding-DNA position 440, one base deleted (C; older notation c.440delC).
Protein change: p.Pro147fs; shifts the reading frame from proline 147.
Molecular consequence: frameshift variant.
Genome position (GRCh38, 1-based): chr14:67,807,844, G deleted on the plus strand (C on the coding strand, the reverse complement: ZFYVE26 is on the minus strand); the first of 2 consecutive G bases (chr14:67,807,844-67,807,845); deleting either gives the same sequence. VCF-style (leftmost placement, unchanged base first): chr14-67807843-AG-A. GRCh37 (hg19) VCF-style: chr14-68274560-AG-A.
Other names: short protein forms P147fs.
Identifiers: ClinVar variation 2106136 (VCV002106136.4), dbSNP rs2502881409, ClinGen allele CA2580088623.

ClinVar aggregate classification (germline): Pathogenic (1 of 4 stars; one submission).

Conditions:
Spastic paraplegia. Identifiers: MedGen C0037772, HP:0001258.

Submission:

Labcorp Genetics (formerly Invitae), Labcorp
Classification: Pathogenic for Spastic paraplegia. Last evaluated: 2022-03-04. Review status: criteria provided, single submitter. Criteria: Invitae Variant Classification Sherloc (09022015). Collection method: clinical testing. Allele origin: germline.
Comment: For these reasons, this variant has been classified as Pathogenic. This variant has not been reported in the literature in individuals affected with ZFYVE26-related conditions. This variant is not present in population databases (gnomAD no frequency). This sequence change creates a premature translational stop signal (p.Pro147Leufs*15) in the ZFYVE26 gene. It is expected to result in an absent or disrupted protein product. Loss-of-function variants in ZFYVE26 are known to be pathogenic (PMID: 18394578, 19805727).

Literature cited by the submitters: PubMed 18394578; PubMed 19805727.